The following is an entry in ClinVar:

NM_001148.6(ANK2):c.7246C>T (p.Arg2416Ter)

Genes: ANK2 (ankyrin 2; plus strand), LOC126807137 (CDK7 strongly-dependent group 2 enhancer GRCh37_chr4:114276560-114277759; plus strand). Cytogenetic location: 4q26.
Variant type: single nucleotide variant.
Coding change: c.7246C>T on transcript NM_001148.6 (MANE Select); coding-DNA position 7246, C replaced by T.
Protein change: p.Arg2416Ter; replaces arginine 2416 with a stop codon.
Molecular consequence: nonsense. On other transcripts: intron variant (68).
Genome position (GRCh38, 1-based): chr4:113,355,864, C>T. VCF-style: chr4-113355864-C-T. GRCh37 (hg19) VCF-style: chr4-114277020-C-T.
Other names: c.7012C>T, p.Arg2338Ter (NM_001386142.1); c.3646C>T, p.Arg1216Ter (NM_001386166.1); c.7387C>T, p.Arg2463Ter (NM_001386174.1); c.7363C>T, p.Arg2455Ter (NM_001386175.1); c.4412-4959C>T (NM_001386186.2, NM_001386148.2); c.4214-4959C>T (NM_001354269.3); c.4292-4959C>T (NM_001386187.2); c.4253-4959C>T (NM_001386147.1); and 35 more; short protein forms R1216*, R2338*, R2416*, R2455*, R2463*.
Identifiers: ClinVar variation 2499833 (VCV002499833.2), dbSNP rs1309568447, ClinGen allele CA357929929.

ClinVar aggregate classification (germline): Pathogenic (1 of 4 stars; one submission).

gnomAD v4.1: 2 of 1,614,042 alleles (0.00012%); highest among the groups gnomAD compares: Non-Finnish European, 0.00017%; no homozygotes.

Submission:

GeneDx
Classification: Pathogenic. Last evaluated: 2025-12-26. Review status: criteria provided, single submitter. Criteria: GeneDx Variant Classification Process June 2021. Collection method: clinical testing. Allele origin: germline.
Comment: Has not been previously published as pathogenic or benign to our knowledge; Nonsense variant predicted to result in protein truncation or nonsense mediated decay in a gene for which loss of function is a known mechanism of disease; Not observed at significant frequency in large population cohorts (gnomAD)